The following is an entry in ClinVar:

NM_000059.4(BRCA2):c.8633-1299C>G

Gene: BRCA2 (BRCA2 DNA repair associated; plus strand). Cytogenetic location: 13q13.1.
Variant type: single nucleotide variant.
Coding change: c.8633-1299C>G on transcript NM_000059.4 (MANE Select); 1299 bases into the intron before coding-DNA position 8633, C replaced by G.
Molecular consequence: intron variant. On other transcripts: non-coding transcript variant (1).
Genome position (GRCh38, 1-based): chr13:32,375,371, C>G. VCF-style: chr13-32375371-C-G. GRCh37 (hg19) VCF-style: chr13-32949508-C-G.
Other names: c.8633-1299C>G (NM_001432077.1, NM_001406720.1); c.8537-1299C>G (NM_001406719.1); c.3701-1299C>G (NM_001406721.1); c.2216-1299C>G (NM_001406722.1).
Identifiers: ClinVar variation 4628721 (VCV004628721.2).

ClinVar aggregate classification (germline): Likely pathogenic (1 of 4 stars; one submission).

Conditions:
Hereditary cancer-predisposing syndrome. Also called: Neoplastic Syndromes, Hereditary; Tumor predisposition; Hereditary Cancer Syndrome; Hereditary neoplastic syndrome. Identifiers: Orphanet 140162, MedGen C0027672, MeSH D009386, MONDO:0015356.

gnomAD v4.1: 4 of 452,654 alleles (0.00088%); highest among the groups gnomAD compares: Admixed American, 0.0095%; no homozygotes.

Submission:

Ambry Genetics
Classification: Likely pathogenic for Hereditary cancer-predisposing syndrome. Last evaluated: 2026-04-01. Review status: criteria provided, single submitter. Criteria: Ambry Variant Classification Scheme 2023. Collection method: clinical testing. Allele origin: germline.
Comment: The c.8633-1299C>G intronic variant results from a C to G substitution 1299 nucleotides upstream from coding exon 20 in the BRCA2 gene. This nucleotide position is conserved on limited sequence alignment. In silico splice site analysis predicts that this alteration may result in the creation or strengthening of a novel splice donor site and may result in the creation or strengthening of a novel splice acceptor site. RNA studies have demonstrated that this variant results in abnormal splicing in the set of samples tested (Ambry internal data). Based on the majority of available evidence to date, this variant is likely to be pathogenic. However, because this variant is identified in patients with Fanconi Anemia it may be hypomorphic and thus, carriers of this variant and their families may present with reduced risks, and not with the typical clinical characteristics of a high-risk pathogenic BRCA2 alteration. As risk estimates are unknown at this time, clinical correlation is advised.